The following is an entry in ClinVar:

NM_018444.4(PDP1):c.257A>G (p.Asn86Ser)

Gene: PDP1 (pyruvate dehydrogenase phosphatase catalytic subunit 1; plus strand). Cytogenetic location: 8q22.1.
Variant type: single nucleotide variant.
Coding change: c.257A>G on transcript NM_018444.4 (MANE Select); coding-DNA position 257, A replaced by G.
Protein change: p.Asn86Ser; replaces asparagine 86 with serine.
Molecular consequence: missense variant.
Genome position (GRCh38, 1-based): chr8:93,922,316, A>G. VCF-style: chr8-93922316-A-G. GRCh37 (hg19) VCF-style: chr8-94934544-A-G.
Other names: c.332A>G, p.Asn111Ser (NM_001161779.2, NM_001161780.2); c.257A>G, p.Asn86Ser (NM_001161781.2); c.257A>G (NM_018444.3); short protein forms N111S, N86S.
Identifiers: ClinVar variation 2175773 (VCV002175773.3), dbSNP rs762798871, ClinGen allele CA4808672.
Genomic context (GRCh38, chr8:93,922,316, plus strand): 5'-CCCAAGGAAGGAGATATGCTTCCACACCACAGAAATTTTACCTCACACCTCCACAAGTCA[A>G]TAGCATCCTTAAAGCTAATGAATACAGTTTCAAAGTGCCAGAATTTGACGGCAAAAATGT-3'
Protein context (NP_060914.2, residues 76-96): QKFYLTPPQV[Asn86Ser]SILKANEYSF

ClinVar aggregate classification (germline): Uncertain significance. Review status: criteria provided, multiple submitters, no conflicts (2 of 4 stars). 2 submissions from 2 submitters: Uncertain significance (2). Last evaluated 2025-10-07.

Conditions:
Inborn genetic diseases. Identifiers: MedGen C0950123, MeSH D030342.

Allele frequency attached by ClinVar (database versions not stated): TOPMed below 0.00001; ExAC 0.00001; gnomAD 0.00002; gnomAD exomes 0.00002.

Submissions (2):

Ambry Genetics
Classification: Uncertain significance for Inborn genetic diseases. Last evaluated: 2025-10-07. Review status: criteria provided, single submitter. Criteria: Ambry Variant Classification Scheme 2023. Collection method: clinical testing. Allele origin: germline.

Labcorp Genetics (formerly Invitae), Labcorp
Classification: Uncertain significance. Last evaluated: 2022-02-25. Review status: criteria provided, single submitter. Criteria: Invitae Variant Classification Sherloc (09022015). Collection method: clinical testing. Allele origin: germline.
Comment: This variant is present in population databases (rs762798871, gnomAD 0.003%). In summary, the available evidence is currently insufficient to determine the role of this variant in disease. Therefore, it has been classified as a Variant of Uncertain Significance. Algorithms developed to predict the effect of missense changes on protein structure and function are either unavailable or do not agree on the potential impact of this missense change (SIFT: "Tolerated"; PolyPhen-2: "Possibly Damaging"; Align-GVGD: "Class C0"). This variant has not been reported in the literature in individuals affected with PDP1-related conditions. This sequence change replaces asparagine, which is neutral and polar, with serine, which is neutral and polar, at codon 86 of the PDP1 protein (p.Asn86Ser).